The following is an entry in ClinVar:

NC_000001.10:g.(?_40539713)_(40562930_?)dup

Genes: PPT1 (palmitoyl-protein thioesterase 1; minus strand), LOC121725014 (Sharpr-MPRA regulatory region 13734; plus strand), LOC129930245 (ATAC-STARR-seq lymphoblastoid active region 829; plus strand), LOC129930244 (ATAC-STARR-seq lymphoblastoid silent region 720; plus strand). Cytogenetic location: 1p34.2.
Variant type: Duplication.
Identifiers: ClinVar variation 533956 (VCV000533956.7).

ClinVar aggregate classification (germline): Uncertain significance (1 of 4 stars; one submission).

Conditions:
Neuronal ceroid lipofuscinosis 1 (CLN1). Also called: CEROID LIPOFUSCINOSIS, NEURONAL, 1, VARIABLE AGE AT ONSET; PPT1-Related Neuronal Ceroid-Lipofuscinosis. Identifiers: Orphanet 228329, MedGen C1850451, MONDO:0009744, OMIM 256730.

Submission:

Labcorp Genetics (formerly Invitae), Labcorp
Classification: Uncertain significance for Neuronal ceroid lipofuscinosis 1. Last evaluated: 2017-11-16. Review status: criteria provided, single submitter. Criteria: Invitae Variant Classification Sherloc (09022015). Collection method: clinical testing. Allele origin: germline.
Comment: In summary, the available evidence is currently insufficient to determine the role of this variant in disease. Therefore, it has been classified as a Variant of Uncertain Significance. This duplication has not been reported in the literature in individuals with PPT1-related disease. A gross duplication of the genomic region encompassing the full coding sequence of the PPT1 gene has been identified. The boundaries of this event are unknown as the duplication extends beyond the assayed region for this gene and therefore may encompass additional genes. As the precise location of this duplication is unknown, it may be in tandem or it may be located elsewhere in the genome.